The following is an entry in ClinVar:

ClinVar aggregate classification (germline): Conflicting classifications of pathogenicity. Review status: criteria provided, conflicting classifications (1 of 4 stars). 3 submissions from 3 submitters: Likely pathogenic (1); Uncertain significance (1). 1 of the submissions does not count toward it. Last evaluated 2024-11-24.

Conditions:
Wilson disease (WND). Also called: Wilson's disease. Identifiers: Orphanet 905, MedGen C0019202, MONDO:0010200, OMIM 277900. Disease mechanism: loss of function.

Allele frequency attached by ClinVar (database versions not stated): gnomAD exomes below 0.00001 and 0.00001; gnomAD 0.00002.
gnomAD v4.1: 16 of 1,614,078 alleles (0.00099%); highest among the groups gnomAD compares: Non-Finnish European, 0.0013%; no homozygotes.

Submissions (3):

Labcorp Genetics (formerly Invitae), Labcorp
Classification: Likely pathogenic for Wilson disease. Last evaluated: 2024-11-24. Review status: criteria provided, single submitter. Criteria: Invitae Variant Classification Sherloc (09022015). Collection method: clinical testing. Allele origin: germline.
Comment: This sequence change falls in intron 10 of the ATP7B gene. It does not directly change the encoded amino acid sequence of the ATP7B protein. It affects a nucleotide within the consensus splice site. This variant is present in population databases (rs551030054, gnomAD 0.002%). This variant has been observed in individual(s) with Wilson disease (PMID: 19725132; internal data). In at least one individual the data is consistent with being in trans (on the opposite chromosome) from a pathogenic variant. It has also been observed to segregate with disease in related individuals. ClinVar contains an entry for this variant (Variation ID: 556266). Variants that disrupt the consensus splice site are a relatively common cause of aberrant splicing (PMID: 17576681, 9536098). Algorithms developed to predict the effect of sequence changes on RNA splicing suggest that this variant is not likely to affect RNA splicing. In summary, the currently available evidence indicates that the variant is pathogenic, but additional data are needed to prove that conclusively. Therefore, this variant has been classified as Likely Pathogenic.

Color Diagnostics, LLC DBA Color Health
Classification: Uncertain significance for Wilson disease. Last evaluated: 2023-11-16. Review status: criteria provided, single submitter. Criteria: ACMG Guidelines, 2015. Collection method: clinical testing. Allele origin: germline.
Comment: This variant causes a G to C nucleotide substitution at the +5 position of intron 10 of the ATP7B gene. Splice site prediction tools predict that this variant may have a significant impact on RNA splicing. To our knowledge, functional studies have not been reported for this variant. This variant has been observed in two individuals affected with autosomal recessive Wilson disease, who were reported to be in the compound heterozygous state without detailed information regarding the second pathogenic variant (PMID: 19725132ClinVar: SCV003442761.1). This variant has been identified in 2/280940 chromosomes in the general population by the Genome Aggregation Database (gnomAD). The available evidence is insufficient to determine the role of this variant in disease conclusively. Therefore, this variant is classified as a Variant of Uncertain Significance.

Counsyl
Classification: Uncertain significance for Wilson disease. Last evaluated: 2018-01-23. Review status: no assertion criteria provided. Collection method: clinical testing. Allele origin: unknown. Not counted in ClinVar's aggregate classification.

Literature cited by the submitters: PubMed 19725132 (cited by Labcorp Genetics (formerly Invitae), Labcorp and Color Diagnostics, LLC DBA Color Health); PubMed 17576681 (cited by Labcorp Genetics (formerly Invitae), Labcorp); PubMed 9536098 (cited by Labcorp Genetics (formerly Invitae), Labcorp); PubMed 25525159 (cited by Counsyl).

NM_000053.4(ATP7B):c.2575+5G>C

Gene: ATP7B (ATPase copper transporting beta; minus strand). Cytogenetic location: 13q14.3.
Variant type: single nucleotide variant.
Coding change: c.2575+5G>C on transcript NM_000053.4 (MANE Select); 5 bases into the intron after coding-DNA position 2575, G replaced by C.
Molecular consequence: intron variant.
Genome position (GRCh38, 1-based): chr13:51,950,267, C>G on the plus strand (G>C on the coding strand, the complement: ATP7B is on the minus strand). VCF-style: chr13-51950267-C-G. GRCh37 (hg19) VCF-style: chr13-52524403-C-G.
Other names: c.2242+5G>C (NM_001243182.2); c.2089+5G>C (NM_001005918.3); c.2323+5G>C (NM_001330579.2); c.2341+5G>C (NM_001330578.2).
Identifiers: ClinVar variation 556266 (VCV000556266.7), dbSNP rs551030054, ClinGen allele CA250058550.